The following is an entry in ClinVar:

ClinVar aggregate classification (germline): Likely benign (1 of 4 stars; one submission).

Allele frequency attached by ClinVar (database versions not stated): gnomAD exomes 0.00059; 1000 Genomes Project 30x 0.00359; 1000 Genomes Project 0.00419; gnomAD 0.00425 and 0.00463; TOPMed 0.00466.
gnomAD v4.1: 997 of 729,484 alleles (0.14%); highest among the groups gnomAD compares: African/African-American, 1.5%; 10 homozygotes.

Submission:

GeneDx
Classification: Likely benign. Last evaluated: 2018-06-14. Review status: criteria provided, single submitter. Criteria: GeneDx Variant Classification (06012015). Collection method: clinical testing. Allele origin: germline. Affected: yes.
Comment: This variant is considered likely benign or benign based on one or more of the following criteria: it is a conservative change, it occurs at a poorly conserved position in the protein, it is predicted to be benign by multiple in silico algorithms, and/or has population frequency not consistent with disease.

NM_000548.5(TSC2):c.2967-185C>T

Gene: TSC2 (TSC complex subunit 2; plus strand). Cytogenetic location: 16p13.3.
Variant type: single nucleotide variant.
Coding change: c.2967-185C>T on transcript NM_000548.5 (MANE Select); 185 bases into the intron before coding-DNA position 2967, C replaced by T.
Molecular consequence: intron variant.
Genome position (GRCh38, 1-based): chr16:2,078,847, C>T. VCF-style: chr16-2078847-C-T. GRCh37 (hg19) VCF-style: chr16-2128848-C-T.
Other names: c.2967-185C>T (NM_001114382.3); c.2838-185C>T (NM_021055.3, NM_001370405.1, NM_001363528.2); c.2838-188C>T (NM_001370404.1, NM_001077183.3); c.2727-185C>T (NM_001318827.2); c.2238-188C>T (NM_001318831.2); c.2691-185C>T (NM_001318829.2); c.2871-188C>T (NM_001318832.2).
Identifiers: ClinVar variation 678378 (VCV000678378.1), dbSNP rs114526593, ClinGen allele CA276744894.